The following is an entry in ClinVar:

NM_004006.3(DMD):c.2168+222G>A

Gene: DMD (dystrophin; minus strand). Cytogenetic location: Xp21.1.
Variant type: single nucleotide variant.
Coding change: c.2168+222G>A on transcript NM_004006.3 (MANE Select); 222 bases into the intron after coding-DNA position 2168, G replaced by A.
Molecular consequence: intron variant.
Genome position (GRCh38, 1-based): chrX:32,544,937, C>T on the plus strand (G>A on the coding strand, the complement: DMD is on the minus strand). VCF-style: chrX-32544937-C-T. GRCh37 (hg19) VCF-style: chrX-32563054-C-T.
Other names: c.2144+222G>A (NM_000109.4); c.2156+222G>A (NM_004009.3); c.1799+222G>A (NM_004010.3).
Identifiers: ClinVar variation 679284 (VCV000679284.1), dbSNP rs228372, ClinGen allele CA328024995.

ClinVar aggregate classification (germline): Benign (1 of 4 stars; one submission).

Allele frequency attached by ClinVar (database versions not stated): gnomAD 0.14685 and 0.15321; TOPMed 0.14751; 1000 Genomes Project 30x 0.18876; 1000 Genomes Project 0.19338.
gnomAD v4.1: 16,905 of 110,189 alleles (15%); highest among the groups gnomAD compares: East Asian, 31%; 1,129 homozygotes.

Submission:

GeneDx
Classification: Benign. Last evaluated: 2018-06-19. Review status: criteria provided, single submitter. Criteria: GeneDx Variant Classification (06012015). Collection method: clinical testing. Allele origin: germline. Affected: yes.
Comment: This variant is considered likely benign or benign based on one or more of the following criteria: it is a conservative change, it occurs at a poorly conserved position in the protein, it is predicted to be benign by multiple in silico algorithms, and/or has population frequency not consistent with disease.